The following is an entry in ClinVar:

ClinVar aggregate classification (germline): Uncertain significance (1 of 4 stars; one submission).

Conditions:
Cardiovascular phenotype. Identifiers: MedGen CN230736.

Allele frequency attached by ClinVar (database versions not stated): ESP Exome Variant Server 0.00008.
gnomAD v4.1: 1 of 1,613,590 alleles (0.000062%); highest among the groups gnomAD compares: African/African-American, 0.0013%; no homozygotes.

Submission:

Ambry Genetics
Classification: Uncertain significance for Cardiovascular phenotype. Last evaluated: 2020-03-09. Review status: criteria provided, single submitter. Criteria: Ambry Variant Classification Scheme 2023. Collection method: clinical testing. Allele origin: germline.
Comment: The p.S20058G variant (also known as c.60172A>G), located in coding exon 155 of the TTN gene, results from an A to G substitution at nucleotide position 60172. The serine at codon 20058 is replaced by glycine, an amino acid with similar properties. This amino acid position is well conserved in available vertebrate species. In addition, this alteration is predicted to be tolerated by in silico analysis. Since supporting evidence is limited at this time, the clinical significance of this alteration remains unclear.

NM_001267550.2(TTN):c.87367A>G (p.Ser29123Gly)

Genes: TTN (titin; minus strand), TTN-AS1 (TTN antisense RNA 1; plus strand). Cytogenetic location: 2q31.2.
Variant type: single nucleotide variant.
Coding change: c.87367A>G on transcript NM_001267550.2 (MANE Select); coding-DNA position 87367, A replaced by G.
Protein change: p.Ser29123Gly; replaces serine 29123 with glycine.
Molecular consequence: missense variant.
Genome position (GRCh38, 1-based): chr2:178,557,987, T>C on the plus strand (A>G on the coding strand, the complement: TTN is on the minus strand). VCF-style: chr2-178557987-T-C. GRCh37 (hg19) VCF-style: chr2-179422714-T-C.
Other names: c.82444A>G, p.Ser27482Gly (NM_001256850.1); c.60172A>G, p.Ser20058Gly (NM_003319.4); c.79663A>G, p.Ser26555Gly (NM_133378.4); c.60547A>G, p.Ser20183Gly (NM_133432.3); c.60748A>G, p.Ser20250Gly (NM_133437.4); short protein forms S20250G, S27482G, S29123G, S20058G, S26555G, S20183G.
Identifiers: ClinVar variation 1751095 (VCV001751095.2), dbSNP rs375198596, ClinGen allele CA1988327.